The following is an entry in ClinVar:

ClinVar aggregate classification (germline): Uncertain significance (1 of 4 stars; one submission).

Conditions:
RPGRIP1L-related disorder. Also called: RPGRIP1L-related disorders; RPGRIP1L-related condition. Identifiers: MedGen CN239416.

Submission:

PreventionGenetics, part of Exact Sciences
Classification: Uncertain significance for RPGRIP1L-related condition. Last evaluated: 2025-09-09. Review status: criteria provided, single submitter. Criteria: ACMG Guidelines, 2015. Collection method: clinical testing. Allele origin: germline.
Comment: The RPGRIP1L c.1687C>T variant is predicted to result in the amino acid substitution p.His563Tyr. To our knowledge, this variant has not been reported in the literature or in a large population database (gnomAD), indicating this variant is rare. At this time, the clinical significance of this variant is uncertain due to the absence of conclusive functional and genetic evidence.

NM_015272.5(RPGRIP1L):c.1687C>T (p.His563Tyr)

Gene: RPGRIP1L (RPGRIP1 like; minus strand). Cytogenetic location: 16q12.2.
Variant type: single nucleotide variant.
Coding change: c.1687C>T on transcript NM_015272.5 (MANE Select); coding-DNA position 1687, C replaced by T.
Protein change: p.His563Tyr; replaces histidine 563 with tyrosine.
Molecular consequence: missense variant.
Genome position (GRCh38, 1-based): chr16:53,656,484, G>A on the plus strand (C>T on the coding strand, the complement: RPGRIP1L is on the minus strand). VCF-style: chr16-53656484-G-A. GRCh37 (hg19) VCF-style: chr16-53690396-G-A.
Other names: c.1687C>T, p.His563Tyr (NM_001127897.4, NM_001308334.3, NM_001330538.2); short protein forms H563Y.
Identifiers: ClinVar variation 4985222 (VCV004985222.1).
Genomic context (GRCh38, chr16:53,656,484, plus strand): 5'-AATCCATTCCTCTAGTTACTGTGGACCAAAAAATCGTATATGTTGTACCTTCTAGTTTAT[G>A]GATACGTGCAGCCCTGATATCAAGAAGATGAACATACTGTTCCACTTTGAGTTCATAATC-3'
Protein context (NP_056087.2, residues 553-573): HLLDIRAARI[His563Tyr]KLEAQLKDIA